The following is an entry in ClinVar:

NM_130384.3(ATRIP):c.1333G>A (p.Ala445Thr)

Genes: ATRIP (ATR interacting protein; plus strand), ATRIP-TREX1 (ATRIP-TREX1 readthrough; plus strand). Cytogenetic location: 3p21.31.
Variant type: single nucleotide variant.
Coding change: c.1333G>A on transcript NM_130384.3 (MANE Select); coding-DNA position 1333, G replaced by A.
Protein change: p.Ala445Thr; replaces alanine 445 with threonine.
Molecular consequence: missense variant. On other transcripts: non-coding transcript variant (1).
Genome position (GRCh38, 1-based): chr3:48,460,387, G>A. VCF-style: chr3-48460387-G-A. GRCh37 (hg19) VCF-style: chr3-48501786-G-A.
Other names: c.952G>A, p.Ala318Thr (NM_001271022.2); c.1054G>A, p.Ala352Thr (NM_001271023.2); c.1333G>A, p.Ala445Thr (NM_032166.4); short protein forms A352T, A318T, A445T.
Identifiers: ClinVar variation 3976719 (VCV003976719.1).

ClinVar aggregate classification (germline): Uncertain significance (1 of 4 stars; one submission).

gnomAD v4.1: 3 of 1,613,520 alleles (0.00019%); highest among the groups gnomAD compares: South Asian, 0.0022%; no homozygotes.

Submission:

Ambry Genetics
Classification: Uncertain significance. Last evaluated: 2025-05-21. Review status: criteria provided, single submitter. Criteria: Ambry Variant Classification Scheme 2023. Collection method: clinical testing. Allele origin: germline.
Comment: The p.A445T variant (also known as c.1333G>A), located in coding exon 8 of the ATRIP gene, results from a G to A substitution at nucleotide position 1333. The alanine at codon 445 is replaced by threonine, an amino acid with similar properties. This amino acid position is conserved. In addition, this alteration is predicted to be tolerated by in silico analysis. Based on the available evidence, the clinical significance of this variant remains unclear.